The following is an entry in ClinVar:

ClinVar aggregate classification (germline): Uncertain significance. Review status: criteria provided, multiple submitters, no conflicts (2 of 4 stars). 2 submissions from 2 submitters: Uncertain significance (2). Last evaluated 2024-08-01.

Conditions:
Developmental and epileptic encephalopathy. Identifiers: MedGen C5779964, MONDO:0100620.
Inborn genetic diseases. Identifiers: MedGen C0950123, MeSH D030342.

Allele frequency attached by ClinVar (database versions not stated): gnomAD exomes 0.00001; ExAC 0.00002.
gnomAD v4.1: 9 of 1,614,084 alleles (0.00056%); highest among the groups gnomAD compares: Middle Eastern, 0.033%; no homozygotes.

Submissions (2):

Ambry Genetics
Classification: Uncertain significance for Inborn genetic diseases. Last evaluated: 2024-08-01. Review status: criteria provided, single submitter. Criteria: Ambry Variant Classification Scheme 2023. Collection method: clinical testing. Allele origin: germline.

Labcorp Genetics (formerly Invitae), Labcorp
Classification: Uncertain significance for Early-infantile DEE. Last evaluated: 2021-10-28. Review status: criteria provided, single submitter. Criteria: Invitae Variant Classification Sherloc (09022015). Collection method: clinical testing. Allele origin: germline.
Comment: This sequence change replaces valine, which is neutral and non-polar, with methionine, which is neutral and non-polar, at codon 296 of the CACNA2D2 protein (p.Val296Met). This variant is present in population databases (rs774335275, gnomAD 0.002%). This variant has not been reported in the literature in individuals affected with CACNA2D2-related conditions. ClinVar contains an entry for this variant (Variation ID: 656309). Algorithms developed to predict the effect of missense changes on protein structure and function are either unavailable or do not agree on the potential impact of this missense change (SIFT: "Deleterious"; PolyPhen-2: "Probably Damaging"; Align-GVGD: "Class C0"). In summary, the available evidence is currently insufficient to determine the role of this variant in disease. Therefore, it has been classified as a Variant of Uncertain Significance.

NM_006030.4(CACNA2D2):c.886G>A (p.Val296Met)

Gene: CACNA2D2 (calcium voltage-gated channel auxiliary subunit alpha2delta 2; minus strand). Cytogenetic location: 3p21.31.
Variant type: single nucleotide variant.
Coding change: c.886G>A on transcript NM_006030.4 (MANE Select); coding-DNA position 886, G replaced by A.
Protein change: p.Val296Met; replaces valine 296 with methionine.
Molecular consequence: missense variant.
Genome position (GRCh38, 1-based): chr3:50,379,975, C>T on the plus strand (G>A on the coding strand, the complement: CACNA2D2 is on the minus strand). VCF-style: chr3-50379975-C-T. GRCh37 (hg19) VCF-style: chr3-50417406-C-T.
Other names: c.886G>A, p.Val296Met (NM_001005505.3, NM_001174051.3); c.679G>A, p.Val227Met (NM_001291101.1); c.886G>A (NM_001174051.1); short protein forms V227M, V296M.
Identifiers: ClinVar variation 656309 (VCV000656309.5), dbSNP rs774335275, ClinGen allele CA2419045.
Genomic context (GRCh38, chr3:50,379,975, plus strand): 5'-TAGCCCATTGCCCGTCCCTGCCCCAGCCCCACTTGCCAGCACTGCTCACTCACACATCCA[C>T]GATGATGACCATGTCTTTGGGTGACGAGGCCCCCTGGATATACCTGCCCAGGAGATGCCT-3'
Protein context (NP_006021.2, residues 286-306): ASSPKDMVII[Val296Met]DVSGSVSGLT